The following is an entry in ClinVar:

NM_002317.7(LOX):c.601C>G (p.Pro201Ala)

Genes: LOX (lysyl oxidase; minus strand), SRFBP1 (serum response factor binding protein 1; plus strand). Cytogenetic location: 5q23.1.
Variant type: single nucleotide variant.
Coding change: c.601C>G on transcript NM_002317.7 (MANE Select); coding-DNA position 601, C replaced by G.
Protein change: p.Pro201Ala; replaces proline 201 with alanine.
Molecular consequence: missense variant.
Genome position (GRCh38, 1-based): chr5:122,077,385, G>C on the plus strand (C>G on the coding strand, the complement: LOX is on the minus strand). VCF-style: chr5-122077385-G-C. GRCh37 (hg19) VCF-style: chr5-121413080-G-C.
Other names: short protein forms P201A.
Identifiers: ClinVar variation 2998621 (VCV002998621.3), dbSNP rs1742900434, ClinGen allele CA360875471.

ClinVar aggregate classification (germline): Uncertain significance (1 of 4 stars; one submission).

gnomAD v4.1: 1 of 1,614,042 alleles (0.000062%); no homozygotes.

Submission:

Labcorp Genetics (formerly Invitae), Labcorp
Classification: Uncertain significance. Last evaluated: 2023-04-30. Review status: criteria provided, single submitter. Criteria: Invitae Variant Classification Sherloc (09022015). Collection method: clinical testing. Allele origin: germline.
Comment: In summary, the available evidence is currently insufficient to determine the role of this variant in disease. Therefore, it has been classified as a Variant of Uncertain Significance. Advanced modeling of protein sequence and biophysical properties (such as structural, functional, and spatial information, amino acid conservation, physicochemical variation, residue mobility, and thermodynamic stability) performed at Invitae indicates that this missense variant is not expected to disrupt LOX protein function. This variant has not been reported in the literature in individuals affected with LOX-related conditions. This variant is not present in population databases (gnomAD no frequency). This sequence change replaces proline, which is neutral and non-polar, with alanine, which is neutral and non-polar, at codon 201 of the LOX protein (p.Pro201Ala).